The following is an entry in ClinVar:

NM_000275.3(OCA2):c.216C>G (p.Leu72=)

Gene: OCA2 (OCA2 melanosomal transmembrane protein; minus strand). Cytogenetic location: 15q13.1.
Variant type: single nucleotide variant.
Coding change: c.216C>G on transcript NM_000275.3 (MANE Select); coding-DNA position 216, C replaced by G.
Protein change: p.Leu72=; no amino-acid change (leucine 72 retained).
Molecular consequence: synonymous variant.
Genome position (GRCh38, 1-based): chr15:28,081,659, G>C on the plus strand (C>G on the coding strand, the complement: OCA2 is on the minus strand). VCF-style: chr15-28081659-G-C. GRCh37 (hg19) VCF-style: chr15-28326805-G-C.
Other names: c.216C>G, p.Leu72= (NM_001300984.2).
Identifiers: ClinVar variation 315476 (VCV000315476.17), dbSNP rs766072141, ClinGen allele CA7439550.

ClinVar aggregate classification (germline): Conflicting classifications of pathogenicity. Review status: criteria provided, conflicting classifications (1 of 4 stars). 5 submissions from 5 submitters: Uncertain significance (2); Likely benign (3). Last evaluated 2026-02-01.

Conditions:
Tyrosinase-positive oculocutaneous albinism (OCA2). Also called: ALBINISM II; Albinism, oculocutaneous, type II; Oculocutaneous albinism type 2. Identifiers: Orphanet 79432, MedGen C0268495, MONDO:0008746, OMIM 203200.
OCA2-related disorder. Also called: OCA2-related condition.

Allele frequency attached by ClinVar (database versions not stated): ExAC 0.00002; gnomAD 0.00002; TOPMed 0.00002.
gnomAD v4.1: 43 of 1,613,580 alleles (0.0027%); highest among the groups gnomAD compares: East Asian, 0.016%; 1 homozygote.

Submissions (5):

Labcorp Genetics (formerly Invitae), Labcorp
Classification: Likely benign. Last evaluated: 2026-02-01. Review status: criteria provided, single submitter. Criteria: Invitae Variant Classification Sherloc (09022015). Collection method: clinical testing. Allele origin: germline.

PreventionGenetics, part of Exact Sciences
Classification: Likely benign for OCA2-related condition. Last evaluated: 2025-04-15. Review status: criteria provided, single submitter. Criteria: ACMG Guidelines, 2015. Collection method: clinical testing. Allele origin: germline.
Comment: This variant is classified as likely benign based on ACMG/AMP sequence variant interpretation guidelines (Richards et al. 2015 PMID: 25741868, with internal and published modifications).

Blueprint Genetics
Classification: Likely benign. Last evaluated: 2024-10-22. Review status: criteria provided, single submitter. Criteria: ACMG Guidelines, 2015. Collection method: clinical testing. Allele origin: germline.

Genome-Nilou Lab
Classification: Uncertain significance for Tyrosinase-positive oculocutaneous albinism. Last evaluated: 2021-11-07. Review status: criteria provided, single submitter. Criteria: ACMG Guidelines, 2015. Collection method: clinical testing. Allele origin: germline. Affected: no.

Illumina Laboratory Services, Illumina
Classification: Uncertain significance for Tyrosinase-positive oculocutaneous albinism. Last evaluated: 2018-01-13. Review status: criteria provided, single submitter. Criteria: ICSL Variant Classification Criteria 13 December 2019. Collection method: clinical testing. Allele origin: germline.